The following is an entry in ClinVar:

ClinVar aggregate classification (germline): Uncertain significance (1 of 4 stars; one submission).

Submission:

Labcorp Genetics (formerly Invitae), Labcorp
Classification: Uncertain significance. Last evaluated: 2022-09-28. Review status: criteria provided, single submitter. Criteria: Invitae Variant Classification Sherloc (09022015). Collection method: clinical testing. Allele origin: germline.
Comment: This sequence change falls in intron 2 of the CACNA1B gene. It does not directly change the encoded amino acid sequence of the CACNA1B protein. It affects a nucleotide within the consensus splice site. This variant is not present in population databases (gnomAD no frequency). This variant has not been reported in the literature in individuals affected with CACNA1B-related conditions. Variants that disrupt the consensus splice site are a relatively common cause of aberrant splicing (PMID: 17576681, 9536098). Algorithms developed to predict the effect of sequence changes on RNA splicing suggest that this variant may disrupt the consensus splice site. In summary, the available evidence is currently insufficient to determine the role of this variant in disease. Therefore, it has been classified as a Variant of Uncertain Significance.

Literature cited by the submitters: PubMed 17576681; PubMed 9536098.

NM_000718.4(CACNA1B):c.390+1_390+2insACGACACGGAGCCCTATTTCATCG

Genes: CACNA1B (calcium voltage-gated channel subunit alpha1 B; plus strand), CACNA1B-AS2 (CACNA1B antisense RNA 2; minus strand). Cytogenetic location: 9q34.3.
Variant type: Microsatellite.
Coding change: c.390+1_390+2insACGACACGGAGCCCTATTTCATCG on transcript NM_000718.4 (MANE Select); the canonical splice donor site of the intron after coding-DNA position 390, ACGACACGGAGCCCTATTTCATCG inserted.
Molecular consequence: splice donor variant.
Genome position: GRCh38 VCF-style: chr9-137879159-G-GGACGACACGGAGCCCTATTTCATC. GRCh37 (hg19) VCF-style: chr9-140773611-G-GGACGACACGGAGCCCTATTTCATC.
Other names: c.390+1_390+2insACGACACGGAGCCCTATTTCATCG (NM_001243812.2).
Identifiers: ClinVar variation 2046140 (VCV002046140.1), dbSNP rs2539060880.